The following is an entry in ClinVar:

ClinVar aggregate classification (germline): Uncertain significance. Review status: criteria provided, multiple submitters, no conflicts (2 of 4 stars). 3 submissions from 3 submitters: Uncertain significance (3). Last evaluated 2023-01-20.

Conditions:
Idiopathic basal ganglia calcification 1 (PFBC1A). Also called: Cerebral calcification nonarteriosclerotic idiopathic adult-onset; Striopallidodentate calcinosis autosomal dominant adult-onset; Ferrocalcinosis, cerebrovascular; Fahr disease, familial (formerly); PRIMARY FAMILIAL BRAIN CALCIFICATION 1A, AUTOSOMAL DOMINANT; Familial Idiopathic Basal Ganglia Calcification 3. Identifiers: Orphanet 1980, MedGen C4551624, MONDO:0024538, OMIM 213600.
Inborn genetic diseases. Identifiers: MedGen C0950123, MeSH D030342.

Allele frequency attached by ClinVar (database versions not stated): ExAC 0.00001; gnomAD 0.00001; gnomAD exomes 0.00003 and 0.00001; TOPMed 0.00002.
gnomAD v4.1: 47 of 1,613,938 alleles (0.0029%); highest among the groups gnomAD compares: Non-Finnish European, 0.0035%; no homozygotes.

Submissions (3):

Ambry Genetics
Classification: Uncertain significance for Inborn genetic diseases. Last evaluated: 2023-01-20. Review status: criteria provided, single submitter. Criteria: Ambry Variant Classification Scheme 2023. Collection method: clinical testing. Allele origin: germline.

Labcorp Genetics (formerly Invitae), Labcorp
Classification: Uncertain significance. Last evaluated: 2022-07-12. Review status: criteria provided, single submitter. Criteria: Invitae Variant Classification Sherloc (09022015). Collection method: clinical testing. Allele origin: germline.
Comment: In summary, the available evidence is currently insufficient to determine the role of this variant in disease. Therefore, it has been classified as a Variant of Uncertain Significance. Algorithms developed to predict the effect of sequence changes on RNA splicing suggest that this variant may create or strengthen a splice site. Algorithms developed to predict the effect of missense changes on protein structure and function (SIFT, PolyPhen-2, Align-GVGD) all suggest that this variant is likely to be tolerated. ClinVar contains an entry for this variant (Variation ID: 909281). This variant has not been reported in the literature in individuals affected with SLC20A2-related conditions. This variant is present in population databases (rs748282424, gnomAD 0.003%). This sequence change replaces alanine, which is neutral and non-polar, with valine, which is neutral and non-polar, at codon 480 of the SLC20A2 protein (p.Ala480Val).

Illumina Laboratory Services, Illumina
Classification: Uncertain significance for Idiopathic basal ganglia calcification 1. Last evaluated: 2018-01-13. Review status: criteria provided, single submitter. Criteria: ICSL Variant Classification Criteria 13 December 2019. Collection method: clinical testing. Allele origin: germline.

NM_001257180.2(SLC20A2):c.1439C>T (p.Ala480Val)

Gene: SLC20A2 (solute carrier family 20 member 2; minus strand). Cytogenetic location: 8p11.21.
Variant type: single nucleotide variant.
Coding change: c.1439C>T on transcript NM_001257180.2 (MANE Select); coding-DNA position 1439, C replaced by T.
Protein change: p.Ala480Val; replaces alanine 480 with valine.
Molecular consequence: missense variant.
Genome position (GRCh38, 1-based): chr8:42,437,073, G>A on the plus strand (C>T on the coding strand, the complement: SLC20A2 is on the minus strand). VCF-style: chr8-42437073-G-A. GRCh37 (hg19) VCF-style: chr8-42294591-G-A.
Other names: c.1439C>T (NM_006749.3); c.1439C>T, p.Ala480Val (NM_001257181.2, NM_006749.5); short protein forms A480V.
Identifiers: ClinVar variation 909281 (VCV000909281.13), dbSNP rs748282424, ClinGen allele CA4733313.